The following is an entry in ClinVar:

NM_031857.2(PCDHA9):c.1006C>G (p.Leu336Val)

Genes: PCDHA1 (protocadherin alpha 1; plus strand), PCDHA2 (protocadherin alpha 2; plus strand), PCDHA3 (protocadherin alpha 3; plus strand), PCDHA4 (protocadherin alpha 4; plus strand), PCDHA5 (protocadherin alpha 5; plus strand) and 5 more. Cytogenetic location: 5q31.3.
Variant type: single nucleotide variant.
Coding change: c.1006C>G on transcript NM_031857.2 (MANE Select); coding-DNA position 1006, C replaced by G.
Protein change: p.Leu336Val; replaces leucine 336 with valine.
Molecular consequence: missense variant. On other transcripts: intron variant (10).
Genome position (GRCh38, 1-based): chr5:140,849,501, C>G. VCF-style: chr5-140849501-C-G. GRCh37 (hg19) VCF-style: chr5-140229086-C-G.
Other names: c.1006C>G, p.Leu336Val (NM_014005.5); c.2394+60817C>G (NM_018900.4); c.1602+61609C>G (NM_031411.3); c.2388+52149C>G (NM_018905.3); c.2394+45910C>G (NM_018906.3); c.2385+39929C>G (NM_018907.4); c.2352+25374C>G (NM_018908.3); c.2394+19016C>G (NM_018909.4); and 3 more; short protein forms L336V.
Identifiers: ClinVar variation 3059467 (VCV003059467.2), dbSNP rs251354, ClinGen allele CA3450315.
Genomic context (GRCh38, chr5:140,849,501, plus strand): 5'-CACAAGATCCCAGTCGAGGCTGTCGATAAAGGCTTCCCACCCCTGGCTGGTCATTGTACA[C>G]TTCTTGTGGAAGTTGTGGATGTAAATGACAATGCTCCACAGTTGACTATCAAAACGCTCT-3'
Protein context (NP_114063.1, residues 326-346): GFPPLAGHCT[Leu336Val]LVEVVDVNDN

ClinVar aggregate classification (germline): Likely benign (0 of 4 stars; one submission).

Conditions:
PCDHA9-related disorder. Also called: PCDHA9-related condition.

Allele frequency attached by ClinVar (database versions not stated): 1000 Genomes Project 30x 0.63148.

Submission:

PreventionGenetics, part of Exact Sciences
Classification: Likely benign for PCDHA9-related condition. Last evaluated: 2020-09-24. Review status: no assertion criteria provided. Collection method: clinical testing. Allele origin: germline.
Comment: This variant is classified as likely benign based on ACMG/AMP sequence variant interpretation guidelines (Richards et al. 2015 PMID: 25741868, with internal and published modifications).